The following is an entry in ClinVar:

ClinVar aggregate classification (germline): Likely benign (1 of 4 stars; one submission).

gnomAD v4.1: 169 of 1,614,204 alleles (0.01%); highest among the groups gnomAD compares: Non-Finnish European, 0.014%; no homozygotes.

Submission:

CeGaT Center for Human Genetics Tuebingen
Classification: Likely benign. Last evaluated: 2026-07-01. Review status: criteria provided, single submitter. Criteria: CeGaT Center For Human Genetics Tuebingen Variant Classification Criteria Version 2. Collection method: clinical testing. Allele origin: germline. Affected: yes. Observed: 1 variant allele.
Comment: ADAMTSL1: BP4, BP7

NM_001040272.6(ADAMTSL1):c.435T>C (p.Tyr145=)

Gene: ADAMTSL1 (ADAMTS like 1; plus strand). Cytogenetic location: 9p22.1.
Variant type: single nucleotide variant.
Coding change: c.435T>C on transcript NM_001040272.6 (MANE Select); coding-DNA position 435, T replaced by C.
Protein change: p.Tyr145=; no amino-acid change (tyrosine 145 retained).
Molecular consequence: synonymous variant.
Genome position (GRCh38, 1-based): chr9:18,574,227, T>C. VCF-style: chr9-18574227-T-C. GRCh37 (hg19) VCF-style: chr9-18574225-T-C.
Other names: c.435T>C, p.Tyr145= (NM_052866.5).
Identifiers: ClinVar variation 5039200 (VCV005039200.1).
Genomic context (GRCh38, chr9:18,574,227, plus strand): 5'-CAAAGGAACAACCCTGGTTGTTGAACTAGCACCTAAGGTCTTAGATGGTACGCGTTGCTA[T>C]ACAGAATCTTTGGATATGTGCATCAGTGGTTTATGCCAAGTAAGTGCTGATTTGTTCTCA-3'
Protein context (NP_001035362.3, residues 135-155): APKVLDGTRC[Tyr145=]TESLDMCISG